The following is an entry in ClinVar:

NM_001145026.2(PTPRQ):c.4671A>G (p.Ile1557Met)

Gene: PTPRQ (protein tyrosine phosphatase receptor type Q; plus strand). Cytogenetic location: 12q21.31.
Variant type: single nucleotide variant.
Coding change: c.4671A>G on transcript NM_001145026.2 (MANE Select); coding-DNA position 4671, A replaced by G.
Protein change: p.Ile1557Met; replaces isoleucine 1557 with methionine.
Molecular consequence: missense variant.
Genome position (GRCh38, 1-based): chr12:80,605,120, A>G. VCF-style: chr12-80605120-A-G. GRCh37 (hg19) VCF-style: chr12-80998899-A-G.
Other names: short protein forms I1557M.
Identifiers: ClinVar variation 4993389 (VCV004993389.1).

ClinVar aggregate classification (germline): Uncertain significance (1 of 4 stars; one submission).

Conditions:
PTPRQ-related disorder. Also called: PTPRQ-related condition.

gnomAD v4.1: 8 of 1,545,638 alleles (0.00052%); highest among the groups gnomAD compares: Admixed American, 0.002%; no homozygotes.

Submission:

PreventionGenetics, part of Exact Sciences
Classification: Uncertain significance for PTPRQ-related condition. Last evaluated: 2026-09-04. Review status: criteria provided, single submitter. Criteria: ACMG Guidelines, 2015. Collection method: clinical testing. Allele origin: germline.
Comment: The PTPRQ c.4671A>G is a noncoding alteration. To our knowledge, this variant has not been reported in the literature. This variant is reported in 0.0041% of alleles in individuals of Latino descent in gnomAD. At this time, the clinical significance of this variant is uncertain due to the absence of conclusive functional and genetic evidence.